The following is an entry in ClinVar:

NM_001082486.2(ACD):c.137C>T (p.Ser46Phe)

Gene: ACD (ACD shelterin complex subunit and telomerase recruitment factor; minus strand). Cytogenetic location: 16q22.1.
Variant type: single nucleotide variant.
Coding change: c.137C>T on transcript NM_001082486.2 (MANE Select); coding-DNA position 137, C replaced by T.
Protein change: p.Ser46Phe; replaces serine 46 with phenylalanine.
Molecular consequence: missense variant.
Genome position (GRCh38, 1-based): chr16:67,660,008, G>A on the plus strand (C>T on the coding strand, the complement: ACD is on the minus strand). VCF-style: chr16-67660008-G-A. GRCh37 (hg19) VCF-style: chr16-67693911-G-A.
Other names: c.137C>T, p.Ser46Phe (NM_001410884.1); c.128C>T, p.Ser43Phe (NM_022914.3); short protein forms S43F, S46F.
Identifiers: ClinVar variation 1736503 (VCV001736503.8), dbSNP rs1364303645, ClinGen allele CA396356915.

ClinVar aggregate classification (germline): Uncertain significance. Review status: criteria provided, multiple submitters, no conflicts (2 of 4 stars). 2 submissions from 2 submitters: Uncertain significance (2). Last evaluated 2024-07-06.

Conditions:
Inborn genetic diseases. Identifiers: MedGen C0950123, MeSH D030342.
Dyskeratosis congenita, autosomal dominant 6 (DKCA6). Identifiers: Orphanet 3322, MedGen C4225284, MONDO:0014690, OMIM 616553.

Allele frequency attached by ClinVar (database versions not stated): gnomAD exomes 0.00002.
gnomAD v4.1: 10 of 1,607,768 alleles (0.00062%); highest among the groups gnomAD compares: South Asian, 0.0044%; no homozygotes.

Submissions (2):

Labcorp Genetics (formerly Invitae), Labcorp
Classification: Uncertain significance for Dyskeratosis congenita, autosomal dominant 6. Last evaluated: 2024-07-06. Review status: criteria provided, single submitter. Criteria: Invitae Variant Classification Sherloc (09022015). Collection method: clinical testing. Allele origin: germline.
Comment: This sequence change replaces serine, which is neutral and polar, with phenylalanine, which is neutral and non-polar, at codon 132 of the ACD protein (p.Ser132Phe). This variant is present in population databases (no rsID available, gnomAD 0.007%). This variant has not been reported in the literature in individuals affected with ACD-related conditions. ClinVar contains an entry for this variant (Variation ID: 1736503). An algorithm developed to predict the effect of missense changes on protein structure and function (PolyPhen-2) suggests that this variant is likely to be disruptive. In summary, the available evidence is currently insufficient to determine the role of this variant in disease. Therefore, it has been classified as a Variant of Uncertain Significance.

Ambry Genetics
Classification: Uncertain significance for Inborn genetic diseases. Last evaluated: 2023-08-24. Review status: criteria provided, single submitter. Criteria: Ambry Variant Classification Scheme 2023. Collection method: clinical testing. Allele origin: germline.
Comment: The p.S132F variant (also known as c.395C>T), located in coding exon 2 of the ACD gene, results from a C to T substitution at nucleotide position 395. The serine at codon 132 is replaced by phenylalanine, an amino acid with highly dissimilar properties. This amino acid position is conserved. In addition, this alteration is predicted to be tolerated by in silico analysis. Since supporting evidence is limited at this time, the clinical significance of this alteration remains unclear.